The following is an entry in ClinVar:

ClinVar aggregate classification (germline): Uncertain significance (1 of 4 stars; one submission).

Conditions:
Hajdu-Cheney syndrome (HJCYS). Also called: Acroosteolysis dominant type; SERPENTINE FIBULA-POLYCYSTIC KIDNEY SYNDROME; ACROOSTEOLYSIS WITH OSTEOPOROSIS AND CHANGES IN SKULL AND MANDIBLE. Identifiers: Orphanet 955, MedGen C0917715, MONDO:0007057, OMIM 102500.

gnomAD v4.1: 2 of 1,614,098 alleles (0.00012%); highest among the groups gnomAD compares: African/African-American, 0.0027%; no homozygotes.

Submission:

Labcorp Genetics (formerly Invitae), Labcorp
Classification: Uncertain significance for Hajdu-Cheney syndrome. Last evaluated: 2025-05-04. Review status: criteria provided, single submitter. Criteria: Invitae Variant Classification Sherloc (09022015). Collection method: clinical testing. Allele origin: germline.
Comment: This sequence change replaces histidine, which is basic and polar, with asparagine, which is neutral and polar, at codon 2197 of the NOTCH2 protein (p.His2197Asn). This variant is not present in population databases (gnomAD no frequency). This variant has not been reported in the literature in individuals affected with NOTCH2-related conditions. Invitae Evidence Modeling of protein sequence and biophysical properties (such as structural, functional, and spatial information, amino acid conservation, physicochemical variation, residue mobility, and thermodynamic stability) indicates that this missense variant is not expected to disrupt NOTCH2 protein function with a negative predictive value of 95%. In summary, the available evidence is currently insufficient to determine the role of this variant in disease. Therefore, it has been classified as a Variant of Uncertain Significance.

NM_024408.4(NOTCH2):c.6589C>A (p.His2197Asn)

Gene: NOTCH2 (notch receptor 2; minus strand). Cytogenetic location: 1p12.
Variant type: single nucleotide variant.
Coding change: c.6589C>A on transcript NM_024408.4 (MANE Select); coding-DNA position 6589, C replaced by A.
Protein change: p.His2197Asn; replaces histidine 2197 with asparagine.
Molecular consequence: missense variant.
Genome position (GRCh38, 1-based): chr1:119,916,133, G>T on the plus strand (C>A on the coding strand, the complement: NOTCH2 is on the minus strand). VCF-style: chr1-119916133-G-T. GRCh37 (hg19) VCF-style: chr1-120458756-G-T.
Other names: short protein forms H2197N.
Identifiers: ClinVar variation 4768075 (VCV004768075.1).